The following is an entry in ClinVar:

ClinVar aggregate classification (germline): Uncertain significance (1 of 4 stars; one submission).

Submission:

Labcorp Genetics (formerly Invitae), Labcorp
Classification: Uncertain significance. Last evaluated: 2024-04-10. Review status: criteria provided, single submitter. Criteria: Invitae Variant Classification Sherloc (09022015). Collection method: clinical testing. Allele origin: germline.
Comment: This sequence change replaces valine, which is neutral and non-polar, with isoleucine, which is neutral and non-polar, at codon 2113 of the ATR protein (p.Val2113Ile). This variant is not present in population databases (gnomAD no frequency). This variant has not been reported in the literature in individuals affected with ATR-related conditions. ClinVar contains an entry for this variant (Variation ID: 1948452). Algorithms developed to predict the effect of missense changes on protein structure and function output the following: SIFT: "Not Available"; PolyPhen-2: "Benign"; Align-GVGD: "Not Available". The isoleucine amino acid residue is found in multiple mammalian species, which suggests that this missense change does not adversely affect protein function. In summary, the available evidence is currently insufficient to determine the role of this variant in disease. Therefore, it has been classified as a Variant of Uncertain Significance.

NM_001184.4(ATR):c.6337G>A (p.Val2113Ile)

Gene: ATR (ATR checkpoint kinase; minus strand). Cytogenetic location: 3q23.
Variant type: single nucleotide variant.
Coding change: c.6337G>A on transcript NM_001184.4 (MANE Select); coding-DNA position 6337, G replaced by A.
Protein change: p.Val2113Ile; replaces valine 2113 with isoleucine.
Molecular consequence: missense variant.
Genome position (GRCh38, 1-based): chr3:142,469,552, C>T on the plus strand (G>A on the coding strand, the complement: ATR is on the minus strand). VCF-style: chr3-142469552-C-T. GRCh37 (hg19) VCF-style: chr3-142188394-C-T.
Other names: c.6145G>A, p.Val2049Ile (NM_001354579.2); short protein forms V2113I, V2049I.
Identifiers: ClinVar variation 1948452 (VCV001948452.5), dbSNP rs191588404, ClinGen allele CA84733407.